The following is an entry in ClinVar:

ClinVar aggregate classification (germline): Uncertain significance (1 of 4 stars; one submission).

gnomAD v4.1: 44 of 1,606,030 alleles (0.0027%); highest among the groups gnomAD compares: Non-Finnish European, 0.0033%; no homozygotes.

Submission:

Labcorp Genetics (formerly Invitae), Labcorp
Classification: Uncertain significance. Last evaluated: 2021-10-05. Review status: criteria provided, single submitter. Criteria: Invitae Variant Classification Sherloc (09022015). Collection method: clinical testing. Allele origin: germline.
Comment: This sequence change replaces tyrosine with cysteine at codon 513 of the NUP160 protein (p.Tyr513Cys). The tyrosine residue is moderately conserved and there is a large physicochemical difference between tyrosine and cysteine. In summary, the available evidence is currently insufficient to determine the role of this variant in disease. Therefore, it has been classified as a Variant of Uncertain Significance. Algorithms developed to predict the effect of missense changes on protein structure and function are either unavailable or do not agree on the potential impact of this missense change (SIFT: "Not Available"; PolyPhen-2: "Probably Damaging"; Align-GVGD: "Not Available"). This variant has not been reported in the literature in individuals affected with NUP160-related conditions. This variant is not present in population databases (ExAC no frequency).

NM_015231.3(NUP160):c.1436A>G (p.Tyr479Cys)

Gene: NUP160 (nucleoporin 160; minus strand). Cytogenetic location: 11p11.2.
Variant type: single nucleotide variant.
Coding change: c.1436A>G on transcript NM_015231.3 (MANE Select); coding-DNA position 1436, A replaced by G.
Protein change: p.Tyr479Cys; replaces tyrosine 479 with cysteine.
Molecular consequence: missense variant. On other transcripts: non-coding transcript variant (1).
Genome position (GRCh38, 1-based): chr11:47,815,627, T>C on the plus strand (A>G on the coding strand, the complement: NUP160 is on the minus strand). VCF-style: chr11-47815627-T-C. GRCh37 (hg19) VCF-style: chr11-47837179-T-C.
Other names: short protein forms Y479C.
Identifiers: ClinVar variation 1525564 (VCV001525564.6), dbSNP rs1001497638, ClinGen allele CA380385788.